The following is an entry in ClinVar:

NM_003737.4(DCHS1):c.7052C>T (p.Ala2351Val)

Gene: DCHS1 (dachsous cadherin-related 1; minus strand). Cytogenetic location: 11p15.4.
Variant type: single nucleotide variant.
Coding change: c.7052C>T on transcript NM_003737.4 (MANE Select); coding-DNA position 7052, C replaced by T.
Protein change: p.Ala2351Val; replaces alanine 2351 with valine.
Molecular consequence: missense variant.
Genome position (GRCh38, 1-based): chr11:6,625,292, G>A on the plus strand (C>T on the coding strand, the complement: DCHS1 is on the minus strand). VCF-style: chr11-6625292-G-A. GRCh37 (hg19) VCF-style: chr11-6646523-G-A.
Other names: short protein forms A2351V.
Identifiers: ClinVar variation 2744208 (VCV002744208.3), dbSNP rs1374414702, ClinGen allele CA379483907.
Genomic context (GRCh38, chr11:6,625,292, plus strand): 5'-TCATTGACATCCTCCACAAGCACTGTGAGGTTGGCACGGCCCTCATGAGGCCCATCATGT[G>A]CCAGCAGCTGCAGCTGGTAGCGGTCACACTGCTCAAAGTCCAGGGGCCCCGTGAGGGAGA-3'
Protein context (NP_003728.1, residues 2341-2361): QCDRYQLQLL[Ala2351Val]HDGPHEGRAN

ClinVar aggregate classification (germline): Uncertain significance (1 of 4 stars; one submission).

Allele frequency attached by ClinVar (database versions not stated): gnomAD exomes 0.00001; TOPMed 0.00001.
gnomAD v4.1: 6 of 1,613,872 alleles (0.00037%); highest among the groups gnomAD compares: Admixed American, 0.01%; no homozygotes.

Submission:

Labcorp Genetics (formerly Invitae), Labcorp
Classification: Uncertain significance. Last evaluated: 2025-11-11. Review status: criteria provided, single submitter. Criteria: Invitae Variant Classification Sherloc (09022015). Collection method: clinical testing. Allele origin: germline.
Comment: This sequence change replaces alanine, which is neutral and non-polar, with valine, which is neutral and non-polar, at codon 2351 of the DCHS1 protein (p.Ala2351Val). This variant is present in population databases (no rsID available, gnomAD 0.02%). This variant has not been reported in the literature in individuals affected with DCHS1-related conditions. ClinVar contains an entry for this variant (Variation ID: 2744208). Invitae Evidence Modeling of protein sequence and biophysical properties (such as structural, functional, and spatial information, amino acid conservation, physicochemical variation, residue mobility, and thermodynamic stability) indicates that this missense variant is not expected to disrupt DCHS1 protein function with a negative predictive value of 80%. In summary, the available evidence is currently insufficient to determine the role of this variant in disease. Therefore, it has been classified as a Variant of Uncertain Significance.